The following is an entry in ClinVar:

NM_012243.3(SLC35A3):c.38del (p.Leu13fs)

Gene: SLC35A3 (solute carrier family 35 member A3; plus strand). Cytogenetic location: 1p21.2.
Variant type: Deletion.
Coding change: c.38del on transcript NM_012243.3 (MANE Select); coding-DNA position 38, one base deleted (T; older notation c.38delT).
Protein change: p.Leu13fs; shifts the reading frame from leucine 13.
Molecular consequence: frameshift variant.
Genome position (GRCh38, 1-based): chr1:99,993,592, T deleted; the last of 4 consecutive T bases (chr1:99,993,589-99,993,592); deleting any one gives the same sequence. VCF-style (leftmost placement, unchanged base first): chr1-99993588-AT-A. GRCh37 (hg19) VCF-style: chr1-100459144-AT-A.
Other names: c.38delT (NM_012243.2); c.38del, p.Leu13fs (NM_001271684.2); c.164del, p.Leu55fs (NM_001271685.2); short protein forms L13fs, L55fs.
Identifiers: ClinVar variation 1456292 (VCV001456292.7), dbSNP rs2101133098, ClinGen allele CA2573132638.

ClinVar aggregate classification (germline): Pathogenic/Likely pathogenic. Review status: criteria provided, multiple submitters, no conflicts (2 of 4 stars). 2 submissions from 2 submitters: Pathogenic (1); Likely pathogenic (1). Last evaluated 2025-09-11.

Conditions:
Autism spectrum disorder - epilepsy - arthrogryposis syndrome (AMRS). Identifiers: Orphanet 370943, MedGen C3809910, MONDO:0014248, OMIM 615553.

Submissions (2):

Natera, Inc.
Classification: Likely pathogenic for Arthrogryposis, mental retardation, and seizures. Last evaluated: 2025-09-11. Review status: criteria provided, single submitter. Criteria: Natera Variant Classification Schema (03/2026). Collection method: clinical testing. Allele origin: germline.
Comment: The c.38delT variant in SLC35A3 is a frameshift variant predicted to shift the reading frame beginning at codon 13 and leads to a stop codon 10 codons downstream. This variant is expected to result in nonsense mediated decay, truncation, or a dysfunctional protein product. This variant is rare in the general population with a frequency below the threshold expected for the associated phenotype(s). Given the available evidence, this variant is classified as Likely Pathogenic.

Labcorp Genetics (formerly Invitae), Labcorp
Classification: Pathogenic for Autism spectrum disorder - epilepsy - arthrogryposis syndrome. Last evaluated: 2024-02-02. Review status: criteria provided, single submitter. Criteria: Invitae Variant Classification Sherloc (09022015). Collection method: clinical testing. Allele origin: germline.
Comment: This sequence change creates a premature translational stop signal (p.Leu13Trpfs*10) in the SLC35A3 gene. It is expected to result in an absent or disrupted protein product. Loss-of-function variants in SLC35A3 are known to be pathogenic (PMID: 24031089, 28328131). This variant is not present in population databases (gnomAD no frequency). This variant has not been reported in the literature in individuals affected with SLC35A3-related conditions. ClinVar contains an entry for this variant (Variation ID: 1456292). For these reasons, this variant has been classified as Pathogenic.

Literature cited by the submitters: PubMed 24031089 (cited by Labcorp Genetics (formerly Invitae), Labcorp); PubMed 28328131 (cited by Labcorp Genetics (formerly Invitae), Labcorp).